The following is an entry in ClinVar:

NM_001609.4(ACADSB):c.*2490T>C

Gene: ACADSB (acyl-CoA dehydrogenase short/branched chain; plus strand). Cytogenetic location: 10q26.13.
Variant type: single nucleotide variant.
Coding change: c.*2490T>C on transcript NM_001609.4 (MANE Select); 2490 bases downstream of the stop codon, T replaced by C.
Molecular consequence: 3 prime UTR variant.
Genome position (GRCh38, 1-based): chr10:123,056,255, T>C. VCF-style: chr10-123056255-T-C. GRCh37 (hg19) VCF-style: chr10-124815771-T-C.
Other names: c.*2490T>C (NM_001330174.3).
Identifiers: ClinVar variation 299134 (VCV000299134.6), dbSNP rs7914164, ClinGen allele CA10631140.
Genomic context (GRCh38, chr10:123,056,255, plus strand): 5'-TTCACACTGCTGATAAAGACATTCCTCAAGATTGTGAAGAAAAAGAGGTTTAATTGGACT[T>C]ACAGTTCCACATGGCCGGGGAGGCCTCAGAATCATGGCGGGAGGTGAAAAGCACTTCGTA-3'

ClinVar aggregate classification (germline): Benign. Review status: criteria provided, multiple submitters, no conflicts (2 of 4 stars). 2 submissions from 2 submitters: Benign (2). Last evaluated 2018-01-12.

Conditions:
Deficiency of 2-methylbutyryl-CoA dehydrogenase (ACADSB). Also called: 2-methylbutyryl-CoA dehydrogenase deficiency; SBCAD deficiency; 2-methylbutyric aciduria; Short branched-chain acyl-CoA dehydrogenase deficiency; 2-methylbutyrylglycinuria. Identifiers: Orphanet 79157, MedGen C1864912, MONDO:0012392, OMIM 610006, HP:0020147.

Allele frequency attached by ClinVar (database versions not stated): gnomAD exomes 0.13668; 1000 Genomes Project 0.16154; 1000 Genomes Project 30x 0.16568; gnomAD 0.19072 and 0.19560; TOPMed 0.19150.
gnomAD v4.1: 35,523 of 199,620 alleles (18%); highest among the groups gnomAD compares: African/African-American, 25%; 3,464 homozygotes.

Submissions (2):

Illumina Laboratory Services, Illumina
Classification: Benign for Deficiency of 2-methylbutyryl-CoA dehydrogenase. Last evaluated: 2018-01-12. Review status: criteria provided, single submitter. Criteria: ICSL Variant Classification Criteria 13 December 2019. Collection method: clinical testing. Allele origin: germline.
Comment: This variant was observed in the ICSL laboratory as part of a predisposition screen in an ostensibly healthy population. It had not been previously curated by ICSL or reported in the Human Gene Mutation Database (HGMD: prior to June 1st, 2018), and was therefore a candidate for classification through an automated scoring system. Utilizing variant allele frequency, disease prevalence and penetrance estimates, and inheritance mode, an automated score was calculated to assess if this variant is too frequent to cause the disease. Based on the score and internal cut-off values, a variant classified as benign is not then subjected to further curation. The score for this variant resulted in a classification of benign for this disease.

Breakthrough Genomics
Classification: Benign. Review status: criteria provided, single submitter. Criteria: ACMG Guidelines, 2015. Collection method: not provided. Allele origin: germline. Inheritance: Autosomal recessive inheritance. Affected: yes.